The following is an entry in ClinVar:

ClinVar aggregate classification (germline): Pathogenic (1 of 4 stars; one submission).

Conditions:
Hereditary nonpolyposis colorectal neoplasms. Identifiers: MedGen C0009405, MeSH D003123.

Submission:

Labcorp Genetics (formerly Invitae), Labcorp
Classification: Pathogenic for Hereditary nonpolyposis colorectal neoplasms. Last evaluated: 2025-07-24. Review status: criteria provided, single submitter. Criteria: Invitae Variant Classification Sherloc (09022015). Collection method: clinical testing. Allele origin: germline.
Comment: This sequence change creates a premature translational stop signal (p.Asn1301Valfs*33) in the MSH6 gene. While this is not anticipated to result in nonsense mediated decay, it is expected to disrupt the last 60 amino acid(s) of the MSH6 protein. This variant is not present in population databases (gnomAD no frequency). This variant has not been reported in the literature in individuals affected with MSH6-related conditions. ClinVar contains an entry for this variant (Variation ID: 2015509). This variant disrupts a region of the MSH6 protein in which other variant(s) (p.Arg1334Serfs*7) have been determined to be pathogenic (internal data). This suggests that this is a clinically significant region of the protein, and that variants that disrupt it are likely to be disease-causing. For these reasons, this variant has been classified as Pathogenic.

NM_000179.3(MSH6):c.3881_3900dup (p.Asn1301fs)

Gene: MSH6 (mutS homolog 6; plus strand). Cytogenetic location: 2p16.3.
Variant type: Duplication.
Coding change: c.3881_3900dup on transcript NM_000179.3 (MANE Select); coding-DNA positions 3881 to 3900, 20 bases duplicated (GTCCTAAAAGCTATGGCTTT).
Protein change: p.Asn1301fs; shifts the reading frame from asparagine 1301.
Molecular consequence: frameshift variant.
Genome position (GRCh38, 1-based): chr2:47,806,531-47,806,550, GTCCTAAAAGCTATGGCTTT duplicated; duplicating any 20 consecutive bases within chr2:47,806,529-47,806,550 gives the same sequence; the c. name uses the placement nearest the transcript's 3' end. VCF-style (leftmost placement, unchanged base first): chr2-47806528-C-CTTGTCCTAAAAGCTATGGCT. GRCh37 (hg19) VCF-style: chr2-48033667-C-CTTGTCCTAAAAGCTATGGCT.
Other names: c.3491_3510dup, p.Asn1171fs (NM_001281492.2); c.2975_2994dup, p.Asn999fs (NM_001281493.2, NM_001281494.2); c.3977_3996dup, p.Asn1333Valfs (NM_001406795.1); c.3881_3900dup, p.Asn1301Valfs (NM_001406796.1, NM_001406808.1, NM_001406809.1); c.3584_3603dup, p.Asn1202Valfs (NM_001406797.1, NM_001406801.1, NM_001406805.1 and 10 more transcripts); c.3707_3726dup, p.Asn1243Valfs (NM_001406798.1); c.3356_3375dup, p.Asn1126Valfs (NM_001406799.1, NM_001406806.1, NM_001406807.1); c.3868_3887dup, p.Met1297Serfs (NM_001406800.1); and 9 more; short protein forms N1171fs, N999fs, N1301fs.
Identifiers: ClinVar variation 2015509 (VCV002015509.4), dbSNP rs2530864617, ClinGen allele CA2580067424.